The following is an entry in ClinVar:

ClinVar aggregate classification (germline): Uncertain significance. Review status: criteria provided, multiple submitters, no conflicts (2 of 4 stars). 4 submissions from 4 submitters: Uncertain significance (4). Last evaluated 2026-05-29.

Conditions:
Autosomal recessive limb-girdle muscular dystrophy type 2Q (LGMDR17). Also called: MUSCULAR DYSTROPHY, LIMB-GIRDLE, AUTOSOMAL RECESSIVE 17. Identifiers: Orphanet 254361, MedGen C3150989, MONDO:0013390, OMIM 613723.
Epidermolysis bullosa simplex, Ogna type (EBS5A). Also called: Pidermolysis bullosa simplex 5A, Ogna type; EPIDERMOLYSIS BULLOSA SIMPLEX 5A, OGNA TYPE. Identifiers: Orphanet 79401, MedGen C0432317, MONDO:0007555, OMIM 131950.
Epidermolysis bullosa simplex 5B, with muscular dystrophy (EBS5B). Also called: Epidermolysis bullosa simplex with muscular dystrophy; EPIDERMOLYSIS BULLOSA SIMPLEX AND LIMB-GIRDLE MUSCULAR DYSTROPHY. Identifiers: Orphanet 257, MedGen C2931072, MONDO:0009181, OMIM 226670.
Epidermolysis bullosa simplex with nail dystrophy (EBS5D). Identifiers: MedGen C4225309, MONDO:0014661, OMIM 616487.
Epidermolysis bullosa simplex 5C, with pyloric atresia (EBS5C). Also called: PLEC1-Related Epidermolysis Bullosa with Pyloric Atresia; PLEC-Related Epidermolysis Bullosa with Pyloric Atresia; Epidermolysis bullosa simplex with pyloric atresia. Identifiers: Orphanet 158684, MedGen C2677349, MONDO:0012807, OMIM 612138.
Inborn genetic diseases. Identifiers: MedGen C0950123, MeSH D030342.
PLEC-related disorder. Also called: PLEC-related disorders; PLEC-related condition.

Allele frequency attached by ClinVar (database versions not stated): gnomAD exomes 0.00002; ExAC 0.00003; gnomAD 0.00004; TOPMed 0.00006.
gnomAD v4.1: 43 of 1,571,916 alleles (0.0027%); highest among the groups gnomAD compares: African/African-American, 0.0041%; no homozygotes.

Submissions (4):

PreventionGenetics, part of Exact Sciences
Classification: Uncertain significance for PLEC-related condition. Last evaluated: 2026-05-29. Review status: criteria provided, single submitter. Criteria: ACMG Guidelines, 2015. Collection method: clinical testing. Allele origin: germline.
Comment: The PLEC c.2498G>A variant is predicted to result in the amino acid substitution p.Arg833His. To our knowledge, this variant has not been reported in the literature. This variant is reported in 0.0055% of alleles in individuals of European (Non-Finnish) descent in gnomAD. At this time, the clinical significance of this variant is uncertain due to the absence of conclusive functional and genetic evidence.

Ambry Genetics
Classification: Uncertain significance for Inborn genetic diseases. Last evaluated: 2025-06-06. Review status: criteria provided, single submitter. Criteria: Ambry Variant Classification Scheme 2023. Collection method: clinical testing. Allele origin: germline.

Labcorp Genetics (formerly Invitae), Labcorp
Classification: Uncertain significance for Autosomal recessive limb-girdle muscular dystrophy type 2Q; Epidermolysis bullosa simplex, Ogna type; Epidermolysis bullosa simplex with nail dystrophy; Epidermolysis bullosa simplex 5C, with pyloric atresia; Epidermolysis bullosa simplex 5B, with muscular dystrophy. Last evaluated: 2025-03-17. Review status: criteria provided, single submitter. Criteria: Invitae Variant Classification Sherloc (09022015). Collection method: clinical testing. Allele origin: germline.
Comment: This sequence change replaces arginine, which is basic and polar, with histidine, which is basic and polar, at codon 833 of the PLEC protein (p.Arg833His). The frequency data for this variant in the population databases is considered unreliable, as metrics indicate poor data quality at this position in the gnomAD database. This variant has not been reported in the literature in individuals affected with PLEC-related conditions. ClinVar contains an entry for this variant (Variation ID: 943109). Invitae Evidence Modeling of protein sequence and biophysical properties (such as structural, functional, and spatial information, amino acid conservation, physicochemical variation, residue mobility, and thermodynamic stability) indicates that this missense variant is not expected to disrupt PLEC protein function with a negative predictive value of 80%. In summary, the available evidence is currently insufficient to determine the role of this variant in disease. Therefore, it has been classified as a Variant of Uncertain Significance.

Revvity Omics, Revvity
Classification: Uncertain significance. Last evaluated: 2022-09-27. Review status: criteria provided, single submitter. Criteria: ACMG Guidelines, 2015. Collection method: clinical testing. Allele origin: germline.

NM_201384.3(PLEC):c.2417G>A (p.Arg806His)

Gene: PLEC (plectin; minus strand). Cytogenetic location: 8q24.3.
Variant type: single nucleotide variant.
Coding change: c.2417G>A on transcript NM_201384.3 (MANE Select); coding-DNA position 2417, G replaced by A.
Protein change: p.Arg806His; replaces arginine 806 with histidine.
Molecular consequence: missense variant.
Genome position (GRCh38, 1-based): chr8:143,930,424, C>T on the plus strand (G>A on the coding strand, the complement: PLEC is on the minus strand). VCF-style: chr8-143930424-C-T. GRCh37 (hg19) VCF-style: chr8-145004592-C-T.
Other names: c.2498G>A, p.Arg833His (NM_000445.5); c.2375G>A, p.Arg792His (NM_201378.4); c.2351G>A, p.Arg784His (NM_201379.3); c.2828G>A, p.Arg943His (NM_201380.4); c.2321G>A, p.Arg774His (NM_201381.3); c.2417G>A, p.Arg806His (NM_201382.4); c.2429G>A, p.Arg810His (NM_201383.3); c.2498G>A (NM_000445.3); short protein forms R784H, R810H, R833H, R943H, R774H, R792H, R806H.
Identifiers: ClinVar variation 943109 (VCV000943109.16), dbSNP rs782046742, ClinGen allele CA4927544.